The following is an entry in ClinVar:

ClinVar aggregate classification (germline): Pathogenic/Likely pathogenic. Review status: criteria provided, multiple submitters, no conflicts (2 of 4 stars). 3 submissions from 3 submitters: Pathogenic (1); Likely pathogenic (2). Last evaluated 2022-03-22.

Conditions:
Autosomal recessive Alport syndrome (ATS2). Also called: COL4A4 Alport Syndrome and Thin Basement Membrane Nephropathy; ALPORT SYNDROME 2, AUTOSOMAL RECESSIVE; Alport syndrome type 2; COL4A3-Related Nephropathy. Identifiers: Orphanet 63, Orphanet 88919, MedGen C4746745, MONDO:0008762, OMIM 203780.
Autosomal dominant Alport syndrome (ATS3A). Also called: Alport syndrome dominant type; Renal failure and sensorineural hearing loss; ALPORT SYNDROME 3A, AUTOSOMAL DOMINANT. Identifiers: Orphanet 63, Orphanet 88918, MedGen C5882663, MONDO:0007086, OMIM 104200.
Benign familial hematuria. Also called: thin basement membrane disease. Identifiers: MedGen C0241908, MONDO:0957317.

Submissions (3):

Fulgent Genetics
Classification: Likely pathogenic for Autosomal dominant Alport syndrome; Hematuria, benign familial, 1; Autosomal recessive Alport syndrome. Last evaluated: 2022-03-22. Review status: criteria provided, single submitter. Criteria: ACMG Guidelines, 2015. Collection method: clinical testing. Allele origin: unknown.

Labcorp Genetics (formerly Invitae), Labcorp
Classification: Likely pathogenic. Last evaluated: 2021-11-28. Review status: criteria provided, single submitter. Criteria: Invitae Variant Classification Sherloc (09022015). Collection method: clinical testing. Allele origin: germline.
Comment: This variant is not present in population databases (gnomAD no frequency). In summary, the currently available evidence indicates that the variant is pathogenic, but additional data are needed to prove that conclusively. Therefore, this variant has been classified as Likely Pathogenic. Algorithms developed to predict the effect of sequence changes on RNA splicing suggest that this variant may disrupt the consensus splice site. This variant has not been reported in the literature in individuals affected with COL4A3-related conditions. This sequence change affects a donor splice site in intron 3 of the COL4A3 gene. It is expected to disrupt RNA splicing. Variants that disrupt the donor or acceptor splice site typically lead to a loss of protein function (PMID: 16199547), and loss-of-function variants in COL4A3 are known to be pathogenic (PMID: 8956999, 24854265, 26809805, 27281700).

Clinical Genetics Service, Universitary Hospital 12 de Octubre
Classification: Pathogenic for Autosomal dominant Alport syndrome. Review status: criteria provided, single submitter. Criteria: ACMG Guidelines, 2015. Collection method: clinical testing. Allele origin: germline. Affected: yes.

Literature cited by the submitters: PubMed 16199547 (cited by Labcorp Genetics (formerly Invitae), Labcorp); PubMed 8956999 (cited by Labcorp Genetics (formerly Invitae), Labcorp); PubMed 24854265 (cited by Labcorp Genetics (formerly Invitae), Labcorp); PubMed 26809805 (cited by Labcorp Genetics (formerly Invitae), Labcorp); PubMed 27281700 (cited by Labcorp Genetics (formerly Invitae), Labcorp).

NM_000091.5(COL4A3):c.234+1G>A

Genes: COL4A3 (collagen type IV alpha 3 chain; plus strand), MFF-DT (MFF divergent transcript; minus strand). Cytogenetic location: 2q36.3.
Variant type: single nucleotide variant.
Coding change: c.234+1G>A on transcript NM_000091.5 (MANE Select); the canonical splice donor site of the intron after coding-DNA position 234, G replaced by A.
Molecular consequence: splice donor variant.
Genome position (GRCh38, 1-based): chr2:227,240,233, G>A. VCF-style: chr2-227240233-G-A. GRCh37 (hg19) VCF-style: chr2-228104949-G-A.
Identifiers: ClinVar variation 1499344 (VCV001499344.8), dbSNP rs1240838887, ClinGen allele CA350859688.
Genomic context (GRCh38, chr2:227,240,233, plus strand): 5'-TCTCCTGGCCAGAAAGGATTCACAGGTCCTGAAGGCTTGCCTGGACCGCAGGGACCCAAG[G>A]TATGTCATCCTGCAAGCTTGGAAAATCCCCAACCCACCTAACCCTCTTCCTGCCTACCCC-3'